The following is an entry in ClinVar:

ClinVar aggregate classification (germline): Uncertain significance. Review status: criteria provided, multiple submitters, no conflicts (2 of 4 stars). 4 submissions from 4 submitters: Uncertain significance (4). Last evaluated 2025-10-08.

Conditions:
Facioscapulohumeral muscular dystrophy 2 (FSHD2). Also called: MUSCULAR DYSTROPHY, FACIOSCAPULOHUMERAL, TYPE 1B; FACIOSCAPULOHUMERAL MUSCULAR DYSTROPHY 2, DIGENIC; FSHD2, DIGENIC. Identifiers: Orphanet 269, MedGen C1834671, MONDO:0008031, OMIM 158901.

Allele frequency attached by ClinVar (database versions not stated): TOPMed 0.00001; gnomAD 0.00002 and 0.00003; ExAC 0.00003; gnomAD exomes 0.00003 and 0.00004.
gnomAD v4.1: 57 of 1,585,058 alleles (0.0036%); highest among the groups gnomAD compares: Non-Finnish European, 0.0046%; no homozygotes.

Submissions (4):

Labcorp Genetics (formerly Invitae), Labcorp
Classification: Uncertain significance for Facioscapulohumeral muscular dystrophy 2. Last evaluated: 2025-10-08. Review status: criteria provided, single submitter. Criteria: Invitae Variant Classification Sherloc (09022015). Collection method: clinical testing. Allele origin: germline.
Comment: This sequence change replaces leucine, which is neutral and non-polar, with phenylalanine, which is neutral and non-polar, at codon 1533 of the SMCHD1 protein (p.Leu1533Phe). This variant is present in population databases (rs770018521, gnomAD 0.005%). This variant has not been reported in the literature in individuals affected with SMCHD1-related conditions. ClinVar contains an entry for this variant (Variation ID: 500526). Invitae Evidence Modeling of protein sequence and biophysical properties (such as structural, functional, and spatial information, amino acid conservation, physicochemical variation, residue mobility, and thermodynamic stability) indicates that this missense variant is not expected to disrupt SMCHD1 protein function with a negative predictive value of 80%. In summary, the available evidence is currently insufficient to determine the role of this variant in disease. Therefore, it has been classified as a Variant of Uncertain Significance.

Revvity Omics, Revvity
Classification: Uncertain significance. Last evaluated: 2025-03-18. Review status: criteria provided, single submitter. Criteria: ACMG Guidelines, 2015. Collection method: clinical testing. Allele origin: germline.

GeneDx
Classification: Uncertain significance. Last evaluated: 2024-05-23. Review status: criteria provided, single submitter. Criteria: GeneDx Variant Classification Process June 2021. Collection method: clinical testing. Allele origin: germline. Affected: yes.
Comment: In silico analysis indicates that this missense variant does not alter protein structure/function; Has not been previously published as pathogenic or benign to our knowledge

Eurofins Ntd Llc (ga)
Classification: Uncertain significance. Last evaluated: 2018-08-23. Review status: criteria provided, single submitter. Criteria: EGL ClinVar v180209 classification definitions. Collection method: clinical testing. Allele origin: germline. Observed: 2 variant alleles, 2 heterozygotes.

NM_015295.3(SMCHD1):c.4599G>T (p.Leu1533Phe)

Gene: SMCHD1 (structural maintenance of chromosomes flexible hinge domain containing 1; plus strand). Cytogenetic location: 18p11.32.
Variant type: single nucleotide variant.
Coding change: c.4599G>T on transcript NM_015295.3 (MANE Select); coding-DNA position 4599, G replaced by T.
Protein change: p.Leu1533Phe; replaces leucine 1533 with phenylalanine.
Molecular consequence: missense variant.
Genome position (GRCh38, 1-based): chr18:2,763,669, G>T. VCF-style: chr18-2763669-G-T. GRCh37 (hg19) VCF-style: chr18-2763667-G-T.
Other names: c.4599G>T (NM_015295.2); short protein forms L1533F.
Identifiers: ClinVar variation 500526 (VCV000500526.13), dbSNP rs770018521, ClinGen allele CA8871531.